The following is an entry in ClinVar:

NM_030962.4(SBF2):c.2681A>G (p.Asp894Gly)

Genes: SBF2 (SET binding factor 2; minus strand), LOC101928008 (uncharacterized LOC101928008; plus strand). Cytogenetic location: 11p15.4.
Variant type: single nucleotide variant.
Coding change: c.2681A>G on transcript NM_030962.4 (MANE Select); coding-DNA position 2681, A replaced by G.
Protein change: p.Asp894Gly; replaces aspartic acid 894 with glycine.
Molecular consequence: missense variant.
Genome position (GRCh38, 1-based): chr11:9,850,148, T>C on the plus strand (A>G on the coding strand, the complement: SBF2 is on the minus strand). VCF-style: chr11-9850148-T-C. GRCh37 (hg19) VCF-style: chr11-9871695-T-C.
Other names: c.2681A>G, p.Asp894Gly (NM_001386339.1); c.2552A>G, p.Asp851Gly (NM_001386342.1); short protein forms D894G, D851G.
Identifiers: ClinVar variation 937623 (VCV000937623.7), dbSNP rs552340604, ClinGen allele CA5881477.

ClinVar aggregate classification (germline): Uncertain significance (1 of 4 stars; one submission).

Conditions:
Charcot-Marie-Tooth disease type 4. Also called: Charcot-Marie-Tooth, Type 4; Charcot-Marie-Tooth disease, type IV. Identifiers: Orphanet 64749, MedGen C4082197, MONDO:0018995.

Allele frequency attached by ClinVar (database versions not stated): TOPMed 0.00004; gnomAD 0.00001.
gnomAD v4.1: 22 of 1,613,976 alleles (0.0014%); highest among the groups gnomAD compares: East Asian, 0.0022%; no homozygotes.

Submission:

Labcorp Genetics (formerly Invitae), Labcorp
Classification: Uncertain significance for Charcot-Marie-Tooth disease type 4. Last evaluated: 2022-09-01. Review status: criteria provided, single submitter. Criteria: Invitae Variant Classification Sherloc (09022015). Collection method: clinical testing. Allele origin: germline.
Comment: This sequence change replaces aspartic acid, which is acidic and polar, with glycine, which is neutral and non-polar, at codon 894 of the SBF2 protein (p.Asp894Gly). This variant is present in population databases (rs552340604, gnomAD 0.02%). This variant has not been reported in the literature in individuals affected with SBF2-related conditions. ClinVar contains an entry for this variant (Variation ID: 937623). Algorithms developed to predict the effect of missense changes on protein structure and function are either unavailable or do not agree on the potential impact of this missense change (SIFT: "Deleterious"; PolyPhen-2: "Benign"; Align-GVGD: "Class C0"). In summary, the available evidence is currently insufficient to determine the role of this variant in disease. Therefore, it has been classified as a Variant of Uncertain Significance.